The following is an entry in ClinVar:

ClinVar aggregate classification (germline): Uncertain significance (1 of 4 stars; one submission).

Conditions:
Hereditary cancer-predisposing syndrome. Also called: Neoplastic Syndromes, Hereditary; Tumor predisposition; Hereditary Cancer Syndrome; Hereditary neoplastic syndrome. Identifiers: Orphanet 140162, MedGen C0027672, MeSH D009386, MONDO:0015356.

Submission:

Ambry Genetics
Classification: Uncertain significance for Hereditary cancer-predisposing syndrome. Last evaluated: 2020-01-02. Review status: criteria provided, single submitter. Criteria: Ambry Variant Classification Scheme 2023. Collection method: clinical testing. Allele origin: germline.
Comment: The c.3786delT variant, located in coding exon 25 of the ALK gene, results from a deletion of one nucleotide at nucleotide position 3786, causing a translational frameshift with a predicted alternate stop codon (p.G1263Efs*99). This alteration is expected to result in loss of function by premature protein truncation or nonsense-mediated mRNA decay. However, loss of function of ALK has not been clearly established as a mechanism of disease. Since supporting evidence is limited at this time, the clinical significance of this alteration remains unclear.

NM_004304.5(ALK):c.3786del (p.Gly1263fs)

Gene: ALK (ALK receptor tyrosine kinase; minus strand). Cytogenetic location: 2p23.2.
Variant type: Deletion.
Coding change: c.3786del on transcript NM_004304.5 (MANE Select); coding-DNA position 3786, one base deleted (T; older notation c.3786delT).
Protein change: p.Gly1263fs; shifts the reading frame from glycine 1263.
Molecular consequence: frameshift variant.
Genome position (GRCh38, 1-based): chr2:29,209,836, A deleted on the plus strand (T on the coding strand, the reverse complement: ALK is on the minus strand). VCF-style (leftmost placement, unchanged base first): chr2-29209835-CA-C. GRCh37 (hg19) VCF-style: chr2-29432701-CA-C.
Other names: c.582del, p.Gly195fs (NM_001353765.2); short protein forms G1263fs, G195fs.
Identifiers: ClinVar variation 1734891 (VCV001734891.2), dbSNP rs2465910950, ClinGen allele CA2576925206.